The following is an entry in ClinVar:

ClinVar aggregate classification (germline): Likely benign. Review status: criteria provided, single submitter (1 of 4 stars). 2 submissions from 2 submitters: Likely benign (1). 1 of the submissions does not count toward it. Last evaluated 2025-01-08.

Conditions:
IFNAR2-related disorder. Also called: IFNAR2-related condition.

Submissions (2):

Labcorp Genetics (formerly Invitae), Labcorp
Classification: Likely benign. Last evaluated: 2025-01-08. Review status: criteria provided, single submitter. Criteria: Invitae Variant Classification Sherloc (09022015). Collection method: clinical testing. Allele origin: germline.

PreventionGenetics, part of Exact Sciences
Classification: Likely benign for IFNAR2-related condition. Last evaluated: 2023-10-20. Review status: no assertion criteria provided. Collection method: clinical testing. Allele origin: germline. Not counted in ClinVar's aggregate classification.
Comment: This variant is classified as likely benign based on ACMG/AMP sequence variant interpretation guidelines (Richards et al. 2015 PMID: 25741868, with internal and published modifications).

NM_001289125.3(IFNAR2):c.838T>C (p.Leu280=)

Genes: IFNAR2 (interferon alpha and beta receptor subunit 2; plus strand), IFNAR2-IL10RB (IFNAR2-IL10RB readthrough; plus strand). Cytogenetic location: 21q22.11.
Variant type: single nucleotide variant.
Coding change: c.838T>C on transcript NM_001289125.3 (MANE Select); coding-DNA position 838, T replaced by C.
Protein change: p.Leu280=; no amino-acid change (leucine 280 retained).
Molecular consequence: synonymous variant. On other transcripts: intron variant (4).
Genome position (GRCh38, 1-based): chr21:33,260,725, T>C. VCF-style: chr21-33260725-T-C. GRCh37 (hg19) VCF-style: chr21-34633030-T-C.
Other names: c.838T>C, p.Leu280= (NM_000874.5, NM_001385055.1, NM_207584.3 and 1 more transcripts); c.710-7669T>C (NM_001414505.1); c.710-2068T>C (NM_001289128.2, NM_001289126.2); c.710-1836T>C (NM_001385054.1).
Identifiers: ClinVar variation 3050340 (VCV003050340.4), dbSNP rs1988510269, ClinGen allele CA512181140.